The following is an entry in ClinVar:

ClinVar aggregate classification (germline): Uncertain significance. Review status: criteria provided, multiple submitters, no conflicts (2 of 4 stars). 2 submissions from 2 submitters: Uncertain significance (2). Last evaluated 2024-10-24.

gnomAD v4.1: 3 of 1,528,244 alleles (0.0002%); highest among the groups gnomAD compares: Non-Finnish European, 0.00018%; no homozygotes.

Submissions (2):

GeneDx
Classification: Uncertain significance. Last evaluated: 2024-10-24. Review status: criteria provided, single submitter. Criteria: GeneDx Variant Classification Process June 2021. Collection method: clinical testing. Allele origin: germline. Affected: yes.
Comment: Not observed at significant frequency in large population cohorts (gnomAD); In silico analysis indicates that this variant does not alter splicing; Has not been previously published as pathogenic or benign to our knowledge

Blueprint Genetics
Classification: Uncertain significance. Last evaluated: 2021-02-26. Review status: criteria provided, single submitter. Criteria: ACMG Guidelines, 2015. Collection method: clinical testing. Allele origin: germline.

NM_001145809.2(MYH14):c.5787+5G>T

Gene: MYH14 (myosin heavy chain 14; plus strand). Cytogenetic location: 19q13.33.
Variant type: single nucleotide variant.
Coding change: c.5787+5G>T on transcript NM_001145809.2 (MANE Select); 5 bases into the intron after coding-DNA position 5787, G replaced by T.
Molecular consequence: intron variant.
Genome position (GRCh38, 1-based): chr19:50,307,162, G>T. VCF-style: chr19-50307162-G-T. GRCh37 (hg19) VCF-style: chr19-50810419-G-T.
Other names: c.5688+5G>T (NM_001077186.2); c.5664+5G>T (NM_024729.4).
Identifiers: ClinVar variation 3893491 (VCV003893491.2).